The following is an entry in ClinVar:

ClinVar aggregate classification (germline): Likely pathogenic. Review status: reviewed by expert panel (3 of 4 stars). 3 submissions from 3 submitters: Likely pathogenic (1). 2 of the submissions do not count toward it. Last evaluated 2026-08-18.

Conditions:
Alexander disease (ALXDRD). Also called: Alexander's disease. Identifiers: Orphanet 58, MedGen C0270726, MONDO:0008752, OMIM 203450.

Submissions (3):

ClinGen Leukodystrophy and Leukoencephalopathy Variant Curation Expert Panel, ClinGen
Classification: Likely pathogenic for Alexander disease. Last evaluated: 2026-08-18. Review status: reviewed by expert panel. Criteria: ClinGen Leuko ACMG Specifications GFAP V1.0. Collection method: curation. Allele origin: germline. Inheritance: Autosomal dominant inheritance.
Comment: The NM_002055.5(GFAP):c.218T>A, variant in GFAP is a missense variant predicited to cause a substitution of methionine by lysine at amino acid 73 (p.Met73Lys). This variant has been reported in 1 proband meeting the diagnostic criteria for Alexander Disease per ClinGen Leukodystrophy and Leukoencephalopathy Expert Panel Specifications to the ACMG/AMP Variant Interpretation Guidelines for GFAP Version 1.0.0 (PS4_[Supporting]; PMID: 17894839). This variant is absent from gnomAD v[4.1.1] (PM2_Supporting). This variant resides within a region, amino acids 59 - 88, of GFAP that is defined as a region with significant missense constraint by the ClinGen Leukodystrophy and Leukoencephalopathy Expert Panel Specifications to the ACMG/AMP Variant Interpretation Guidelines for GFAP Version 1.0.0 (PM1). One missense variant, [GFAP c.219A>G, p.Met73Val] [Variation ID: 1173085], in the same codon have been classified as Pathogenic for Alexander Disease [PM5]. In summary, this variant meets the criteria to be classified as likely pathogenic based on the ACMG/AMP criteria applied, as specified by the ClinGen Leukodystrophy and Leukoencephalopathy VCEP: PS4_Supporting, PM1, PM2_Supporting, PM5 (ClinGen Leukodystrophy and Leukoencephalopathy VCEP Specifications Version 1.0.0).

Epithelial Biology;  Institute of Medical Biology, Singapore
No classification provided. Review status: no classification provided. Collection method: not provided. Allele origin: not provided. Not counted in ClinVar's aggregate classification.

GeneReviews
No classification provided. Condition: Alexander disease. Review status: no classification provided. Collection method: literature only. Allele origin: germline. Affected: yes. Not counted in ClinVar's aggregate classification.

Literature cited by the submitters: PubMed 17894839 (cited by GeneReviews); NCBI Bookshelf NBK1172 (cited by GeneReviews).

NM_002055.5(GFAP):c.218T>A (p.Met73Lys)

Gene: GFAP (glial fibrillary acidic protein; minus strand). Cytogenetic location: 17q21.31.
Variant type: single nucleotide variant.
Coding change: c.218T>A on transcript NM_002055.5 (MANE Select); coding-DNA position 218, T replaced by A.
Protein change: p.Met73Lys; replaces methionine 73 with lysine.
Molecular consequence: missense variant.
Genome position (GRCh38, 1-based): chr17:44,915,269, A>T on the plus strand (T>A on the coding strand, the complement: GFAP is on the minus strand). VCF-style: chr17-44915269-A-T. GRCh37 (hg19) VCF-style: chr17-42992637-A-T.
Other names: NM_002055.5(GFAP):c.218T>A; c.218T>A, p.Met73Lys (NM_001131019.3, NM_001242376.3, NM_001363846.2); short protein forms M73K.
Identifiers: ClinVar variation 66464 (VCV000066464.4), dbSNP rs61060395, ClinGen allele CA217156.